The following is an entry in ClinVar:

ClinVar aggregate classification (germline): Uncertain significance (1 of 4 stars; one submission).

Conditions:
Inborn genetic diseases. Identifiers: MedGen C0950123, MeSH D030342.

Allele frequency attached by ClinVar (database versions not stated): gnomAD exomes below 0.00001.
gnomAD v4.1: 1 of 1,612,422 alleles (0.000062%); highest among the groups gnomAD compares: Non-Finnish European, 0.000085%; no homozygotes.

Submission:

Ambry Genetics
Classification: Uncertain significance for Inborn genetic diseases. Last evaluated: 2023-05-14. Review status: criteria provided, single submitter. Criteria: Ambry Variant Classification Scheme 2023. Collection method: clinical testing. Allele origin: germline.
Comment: The p.E522K variant (also known as c.1564G>A), located in coding exon 14 of the LRRK2 gene, results from a G to A substitution at nucleotide position 1564. The glutamic acid at codon 522 is replaced by lysine, an amino acid with similar properties. This amino acid position is conserved. In addition, this alteration is predicted to be tolerated by in silico analysis. Since supporting evidence is limited at this time, the clinical significance of this alteration remains unclear.

NM_198578.4(LRRK2):c.1564G>A (p.Glu522Lys)

Gene: LRRK2 (leucine rich repeat kinase 2; plus strand). Cytogenetic location: 12q12.
Variant type: single nucleotide variant.
Coding change: c.1564G>A on transcript NM_198578.4 (MANE Select); coding-DNA position 1564, G replaced by A.
Protein change: p.Glu522Lys; replaces glutamic acid 522 with lysine.
Molecular consequence: missense variant.
Genome position (GRCh38, 1-based): chr12:40,263,809, G>A. VCF-style: chr12-40263809-G-A. GRCh37 (hg19) VCF-style: chr12-40657611-G-A.
Other names: short protein forms E522K.
Identifiers: ClinVar variation 2567400 (VCV002567400.2), dbSNP rs2499571888, ClinGen allele CA384398766.
Genomic context (GRCh38, chr12:40,263,809, plus strand): 5'-TAAGAAAATTCTTTCTTTATTTATTTATCTGTGCATTTAGGCATGCCAGAAGAATCCAGG[G>A]AGGATACAGAATTTCATCATAAGCTAAATATGGTTAAAAAACAGTGTTTCAAGAATGATA-3'
Protein context (NP_940980.4, residues 512-532): IVPGMPEESR[Glu522Lys]DTEFHHKLNM